The following is an entry in ClinVar:

NM_144668.6(CFAP251):c.2818T>C (p.Phe940Leu)

Gene: CFAP251 (cilia and flagella associated protein 251; plus strand). Cytogenetic location: 12q24.31.
Variant type: single nucleotide variant.
Coding change: c.2818T>C on transcript NM_144668.6 (MANE Select); coding-DNA position 2818, T replaced by C.
Protein change: p.Phe940Leu; replaces phenylalanine 940 with leucine.
Molecular consequence: missense variant.
Genome position (GRCh38, 1-based): chr12:121,975,290, T>C. VCF-style: chr12-121975290-T-C. GRCh37 (hg19) VCF-style: chr12-122413196-T-C.
Other names: short protein forms F940L.
Identifiers: ClinVar variation 3037196 (VCV003037196.2), dbSNP rs77422261, ClinGen allele CA6841004.

ClinVar aggregate classification (germline): Benign (0 of 4 stars; one submission).

Conditions:
CFAP251-related disorder. Also called: CFAP251-related condition.

Allele frequency attached by ClinVar (database versions not stated): gnomAD exomes 0.03777; ESP Exome Variant Server 0.05232; gnomAD 0.05709; TOPMed 0.05918; ExAC 0.06094; 1000 Genomes Project 30x 0.10884; 1000 Genomes Project 0.11262.
gnomAD v4.1: 64,527 of 1,613,970 alleles (4%); highest among the groups gnomAD compares: East Asian, 23%; 3,212 homozygotes.

Submission:

PreventionGenetics, part of Exact Sciences
Classification: Benign for CFAP251-related condition. Last evaluated: 2019-10-30. Review status: no assertion criteria provided. Collection method: clinical testing. Allele origin: germline.
Comment: This variant is classified as benign based on ACMG/AMP sequence variant interpretation guidelines (Richards et al. 2015 PMID: 25741868, with internal and published modifications).